The following is an entry in ClinVar:

ClinVar aggregate classification (germline): Uncertain significance (1 of 4 stars; one submission).

Allele frequency attached by ClinVar (database versions not stated): gnomAD exomes below 0.00001.
gnomAD v4.1: 1 of 1,614,186 alleles (0.000062%); highest among the groups gnomAD compares: Non-Finnish European, 0.000085%; no homozygotes.

Submission:

Labcorp Genetics (formerly Invitae), Labcorp
Classification: Uncertain significance. Last evaluated: 2022-09-15. Review status: criteria provided, single submitter. Criteria: Invitae Variant Classification Sherloc (09022015). Collection method: clinical testing. Allele origin: germline.
Comment: Advanced modeling of protein sequence and biophysical properties (such as structural, functional, and spatial information, amino acid conservation, physicochemical variation, residue mobility, and thermodynamic stability) performed at Invitae indicates that this missense variant is not expected to disrupt PPOX protein function. Experimental studies have shown that this missense change affects PPOX function (PMID: 11929051, 21048046). In summary, the available evidence is currently insufficient to determine the role of this variant in disease. Therefore, it has been classified as a Variant of Uncertain Significance. This missense change has been observed in individual(s) with porphyria variegata (PMID: 10486317, 19656455). This variant is not present in population databases (gnomAD no frequency). This sequence change replaces leucine, which is neutral and non-polar, with proline, which is neutral and non-polar, at codon 73 of the PPOX protein (p.Leu73Pro).

Literature cited by the submitters: PubMed 11929051; PubMed 21048046; PubMed 10486317; PubMed 19656455.

NM_001122764.3(PPOX):c.218T>C (p.Leu73Pro)

Gene: PPOX (protoporphyrinogen oxidase; plus strand). Cytogenetic location: 1q23.3.
Variant type: single nucleotide variant.
Coding change: c.218T>C on transcript NM_001122764.3 (MANE Select); coding-DNA position 218, T replaced by C.
Protein change: p.Leu73Pro; replaces leucine 73 with proline.
Molecular consequence: missense variant. On other transcripts: 5 prime UTR variant (5).
Genome position (GRCh38, 1-based): chr1:161,167,230, T>C. VCF-style: chr1-161167230-T-C. GRCh37 (hg19) VCF-style: chr1-161137020-T-C.
Other names: c.218T>C, p.Leu73Pro (NM_000309.5, NM_001350128.2, NM_001365398.1 and 1 more transcripts); c.-210T>C (NM_001350129.2); c.-301T>C (NM_001350130.2); c.-187T>C (NM_001350131.2); c.-94T>C (NM_001365400.1); c.-153T>C (NM_001365401.1); short protein forms L73P.
Identifiers: ClinVar variation 2202871 (VCV002202871.4), dbSNP rs2525193705, ClinGen allele CA343351710.